The following is an entry in ClinVar:

ClinVar aggregate classification (germline): Likely benign (1 of 4 stars; one submission).

Allele frequency attached by ClinVar (database versions not stated): ESP Exome Variant Server 0.00008; 1000 Genomes Project 30x 0.00016; 1000 Genomes Project 0.00020; ExAC 0.00028.
gnomAD v4.1: 362 of 1,612,616 alleles (0.022%); highest among the groups gnomAD compares: South Asian, 0.09%; 1 homozygote.

Submission:

CeGaT Center for Human Genetics Tuebingen
Classification: Likely benign. Last evaluated: 2023-02-01. Review status: criteria provided, single submitter. Criteria: CeGaT Center For Human Genetics Tuebingen Variant Classification Criteria Version 2. Collection method: clinical testing. Allele origin: germline. Affected: yes. Observed: 1 variant allele.
Comment: JPH3: BP4, BP7

NM_020655.4(JPH3):c.579C>T (p.Arg193=)

Gene: JPH3 (junctophilin 3; plus strand). Cytogenetic location: 16q24.2.
Variant type: single nucleotide variant.
Coding change: c.579C>T on transcript NM_020655.4 (MANE Select); coding-DNA position 579, C replaced by T.
Protein change: p.Arg193=; no amino-acid change (arginine 193 retained).
Molecular consequence: synonymous variant. On other transcripts: non-coding transcript variant (1).
Genome position (GRCh38, 1-based): chr16:87,644,454, C>T. VCF-style: chr16-87644454-C-T. GRCh37 (hg19) VCF-style: chr16-87678060-C-T.
Identifiers: ClinVar variation 2646959 (VCV002646959.24), dbSNP rs145973057, ClinGen allele CA8220770.